The following is an entry in ClinVar:

NM_000360.4(TH):c.146G>A (p.Arg49Gln)

Gene: TH (tyrosine hydroxylase; minus strand). Cytogenetic location: 11p15.5.
Variant type: single nucleotide variant.
Coding change: c.146G>A on transcript NM_000360.4 (MANE Select); coding-DNA position 146, G replaced by A.
Protein change: p.Arg49Gln; replaces arginine 49 with glutamine.
Molecular consequence: missense variant.
Genome position (GRCh38, 1-based): chr11:2,169,816, C>T on the plus strand (G>A on the coding strand, the complement: TH is on the minus strand). VCF-style: chr11-2169816-C-T. GRCh37 (hg19) VCF-style: chr11-2191046-C-T.
Other names: c.239G>A, p.Arg80Gln (NM_199292.3); c.227G>A, p.Arg76Gln (NM_199293.3); short protein forms R49Q, R76Q, R80Q.
Identifiers: ClinVar variation 2147017 (VCV002147017.4), dbSNP rs774199070, ClinGen allele CA5818784.

ClinVar aggregate classification (germline): Uncertain significance (1 of 4 stars; one submission).

Conditions:
TH-deficient dopa-responsive dystonia. Also called: Tyrosine Hydroxylase-Deficient Dopa-Responsive Dystonia; Segawa syndrome, autosomal recessive; DYT-TH. Identifiers: Orphanet 101150, MedGen C2673535, MONDO:0011551, OMIM 605407.

Allele frequency attached by ClinVar (database versions not stated): gnomAD exomes below 0.00001; gnomAD 0.00001; ExAC 0.00002.
gnomAD v4.1: 5 of 1,611,102 alleles (0.00031%); highest among the groups gnomAD compares: Non-Finnish European, 0.00042%; no homozygotes.

Submission:

Labcorp Genetics (formerly Invitae), Labcorp
Classification: Uncertain significance for TH-deficient dopa-responsive dystonia. Last evaluated: 2022-03-23. Review status: criteria provided, single submitter. Criteria: Invitae Variant Classification Sherloc (09022015). Collection method: clinical testing. Allele origin: germline.
Comment: In summary, the available evidence is currently insufficient to determine the role of this variant in disease. Therefore, it has been classified as a Variant of Uncertain Significance. Algorithms developed to predict the effect of missense changes on protein structure and function (SIFT, PolyPhen-2, Align-GVGD) all suggest that this variant is likely to be disruptive. This variant has not been reported in the literature in individuals affected with TH-related conditions. This variant is present in population databases (rs774199070, gnomAD 0.002%). This sequence change replaces arginine, which is basic and polar, with glutamine, which is neutral and polar, at codon 80 of the TH protein (p.Arg80Gln).